The following is an entry in ClinVar:

ClinVar aggregate classification (germline): Likely benign. Review status: criteria provided, multiple submitters, no conflicts (2 of 4 stars). 3 submissions from 3 submitters: Likely benign (3). Last evaluated 2024-02-24.

Allele frequency attached by ClinVar (database versions not stated): gnomAD exomes below 0.00001 and 0.00002; TOPMed 0.00002; ESP Exome Variant Server 0.00008.
gnomAD v4.1: 27 of 1,613,926 alleles (0.0017%); highest among the groups gnomAD compares: East Asian, 0.027%; no homozygotes.

Submissions (3):

Labcorp Genetics (formerly Invitae), Labcorp
Classification: Likely benign. Last evaluated: 2024-02-24. Review status: criteria provided, single submitter. Criteria: Invitae Variant Classification Sherloc (09022015). Collection method: clinical testing. Allele origin: germline.

CeGaT Center for Human Genetics Tuebingen
Classification: Likely benign. Last evaluated: 2022-12-01. Review status: criteria provided, single submitter. Criteria: CeGaT Center For Human Genetics Tuebingen Variant Classification Criteria Version 2. Collection method: clinical testing. Allele origin: germline. Affected: yes. Observed: 1 variant allele.
Comment: SETD5: BP4, BP7

Blueprint Genetics
Classification: Likely benign. Last evaluated: 2022-05-11. Review status: criteria provided, single submitter. Criteria: ACMG Guidelines, 2015. Collection method: clinical testing. Allele origin: germline.

NM_001080517.3(SETD5):c.3318C>T (p.Ser1106=)

Gene: SETD5 (SET domain containing 5; plus strand). Cytogenetic location: 3p25.3.
Variant type: single nucleotide variant.
Coding change: c.3318C>T on transcript NM_001080517.3 (MANE Select); coding-DNA position 3318, C replaced by T.
Protein change: p.Ser1106=; no amino-acid change (serine 1106 retained).
Molecular consequence: synonymous variant.
Genome position (GRCh38, 1-based): chr3:9,473,358, C>T. VCF-style: chr3-9473358-C-T. GRCh37 (hg19) VCF-style: chr3-9515042-C-T.
Other names: c.3024C>T, p.Ser1008= (NM_001292043.2, NM_001349451.2).
Identifiers: ClinVar variation 1643062 (VCV001643062.33), dbSNP rs375375084, ClinGen allele CA2239662.